The following is an entry in ClinVar:

NM_001374828.1(ARID1B):c.1439C>T (p.Ser480Leu)

Gene: ARID1B (AT-rich interaction domain 1B; plus strand). Cytogenetic location: 6q25.3.
Variant type: single nucleotide variant.
Coding change: c.1439C>T on transcript NM_001374828.1 (MANE Select); coding-DNA position 1439, C replaced by T.
Protein change: p.Ser480Leu; replaces serine 480 with leucine.
Molecular consequence: missense variant.
Genome position (GRCh38, 1-based): chr6:156,779,119, C>T. VCF-style: chr6-156779119-C-T. GRCh37 (hg19) VCF-style: chr6-157100253-C-T.
Other names: c.1439C>T, p.Ser480Leu (NM_001371656.1, NM_001374820.1, NM_017519.3); c.1190C>T, p.Ser397Leu (NM_020732.3); short protein forms S397L, S480L.
Identifiers: ClinVar variation 588917 (VCV000588917.43), dbSNP rs1235258455, ClinGen allele CA366384393.

ClinVar aggregate classification (germline): Conflicting classifications of pathogenicity. Review status: criteria provided, conflicting classifications (1 of 4 stars). 6 submissions from 6 submitters: Uncertain significance (4); Likely benign (2). Last evaluated 2024-08-31.

Conditions:
Inborn genetic diseases. Identifiers: MedGen C0950123, MeSH D030342.
Coffin-Siris syndrome 1 (CSS1). Also called: Mental retardation, autosomal dominant 12; ARID1B-Related Coffin-Siris Syndrome. Identifiers: Orphanet 1465, MedGen C3281201, MONDO:0007617, OMIM 135900. Disease mechanism: gain of function.

Allele frequency attached by ClinVar (database versions not stated): gnomAD 0.00001; gnomAD exomes 0.00001; TOPMed 0.00002.
gnomAD v4.1: 5 of 1,236,756 alleles (0.0004%); highest among the groups gnomAD compares: African/African-American, 0.0032%; no homozygotes.

Submissions (6):

Labcorp Genetics (formerly Invitae), Labcorp
Classification: Uncertain significance. Last evaluated: 2024-08-31. Review status: criteria provided, single submitter. Criteria: Invitae Variant Classification Sherloc (09022015). Collection method: clinical testing. Allele origin: germline.
Comment: This sequence change replaces serine, which is neutral and polar, with leucine, which is neutral and non-polar, at codon 397 of the ARID1B protein (p.Ser397Leu). The frequency data for this variant in the population databases is considered unreliable, as metrics indicate insufficient coverage at this position in the gnomAD database. This variant has not been reported in the literature in individuals affected with ARID1B-related conditions. ClinVar contains an entry for this variant (Variation ID: 588917). An algorithm developed to predict the effect of missense changes on protein structure and function (PolyPhen-2) suggests that this variant is likely to be tolerated. In summary, the available evidence is currently insufficient to determine the role of this variant in disease. Therefore, it has been classified as a Variant of Uncertain Significance.

Blueprint Genetics
Classification: Uncertain significance. Last evaluated: 2022-10-25. Review status: criteria provided, single submitter. Criteria: ACMG Guidelines, 2015. Collection method: clinical testing. Allele origin: germline.

CeGaT Center for Human Genetics Tuebingen
Classification: Uncertain significance. Last evaluated: 2022-03-01. Review status: criteria provided, single submitter. Criteria: CeGaT Center For Human Genetics Tuebingen Variant Classification Criteria Version 2. Collection method: clinical testing. Allele origin: germline. Affected: yes. Observed: 1 variant allele.

Genome-Nilou Lab
Classification: Likely benign for Coffin-Siris syndrome 1. Last evaluated: 2021-07-15. Review status: criteria provided, single submitter. Criteria: ACMG Guidelines, 2015. Collection method: clinical testing. Allele origin: germline. Affected: no.

GeneDx
Classification: Likely benign. Last evaluated: 2020-04-13. Review status: criteria provided, single submitter. Criteria: GeneDx Variant Classification Process June 2021. Collection method: clinical testing. Allele origin: germline. Affected: yes.
Comment: Not observed in large population cohorts (Lek et al., 2016); In silico analysis supports that this missense variant does not alter protein structure/function; Has not been previously published as pathogenic or benign to our knowledge

Ambry Genetics
Classification: Uncertain significance for Inborn genetic diseases. Last evaluated: 2017-03-31. Review status: criteria provided, single submitter. Criteria: Ambry Variant Classification Scheme 2023. Collection method: clinical testing. Allele origin: germline.
Comment: The p.S397L variant (also known as c.1190C>T), located in coding exon 1 of the ARID1B gene, results from a C to T substitution at nucleotide position 1190. The serine at codon 397 is replaced by leucine, an amino acid with dissimilar properties. This amino acid position is not well conserved in available vertebrate species. In addition, this alteration is predicted to be tolerated by in silico analysis. Since supporting evidence is limited at this time, the clinical significance of this alteration remains unclear.